The following is an entry in ClinVar:

NC_000020.10:g.(?_61990880)_(62680869_?)del

Genes: ABHD16B (abhydrolase domain containing 16B; plus strand), ARFRP1 (ARF related protein 1; minus strand), CHRNA4 (cholinergic receptor nicotinic alpha 4 subunit; minus strand), DNAJC5 (DnaJ heat shock protein family (Hsp40) member C5; plus strand), EEF1A2 (eukaryotic translation elongation factor 1 alpha 2; minus strand) and 20 more. Cytogenetic location: 20q13.33.
Variant type: Deletion.
Identifiers: ClinVar variation 3248317 (VCV003248317.1).

ClinVar aggregate classification (germline): no classifications from unflagged records (0 of 4 stars; one submission).

Conditions:
Familial sleep-related hypermotor epilepsy. Also called: Autosomal Dominant Sleep-Related Hypermotor (Hyperkinetic) Epilepsy. Identifiers: Orphanet 98784, MedGen C3696898, MONDO:0000030.

Submission:

Labcorp Genetics (formerly Invitae), Labcorp
Classification: Uncertain significance. Last evaluated: 2023-01-01. Review status: flagged submission. Criteria: Invitae Variant Classification Sherloc (09022015). Collection method: clinical testing. Allele origin: unknown.
Comment: In summary, the available evidence is currently insufficient to determine the role of this variant in disease. Therefore, it has been classified as a Variant of Uncertain Significance. Experimental studies and prediction algorithms are not available or were not evaluated, and the functional significance of this variant is currently unknown. This variant has not been reported in the literature in individuals affected with CHRNA4-related conditions. This variant is a gross deletion of the genomic region encompassing exon(s) 1-2 of the CHRNA4 gene, which includes the initiator codon. This deletion extends beyond the assayed region for this gene and therefore may encompass additional genes. It is expected to result in an absent or disrupted protein product. However, the current clinical and genetic evidence is not sufficient to establish whether loss-of-function variants in CHRNA4 cause disease.
ClinVar note: Notes: This submission was flagged because its interpretation of this variant conflicts with the ClinGen Gene Dosage Map curation for the gene KCNQ2.
ClinVar note: Reason: Conflict with ClinGen Gene Dosage Map